The following is an entry in ClinVar:

NM_002160.4(TNC):c.6230G>A (p.Arg2077Gln)

Gene: TNC (tenascin C; minus strand). Cytogenetic location: 9q33.1.
Variant type: single nucleotide variant.
Coding change: c.6230G>A on transcript NM_002160.4 (MANE Select); coding-DNA position 6230, G replaced by A.
Protein change: p.Arg2077Gln; replaces arginine 2077 with glutamine.
Molecular consequence: missense variant.
Genome position (GRCh38, 1-based): chr9:115,026,635, C>T on the plus strand (G>A on the coding strand, the complement: TNC is on the minus strand). VCF-style: chr9-115026635-C-T. GRCh37 (hg19) VCF-style: chr9-117788914-C-T.
Other names: short protein forms R2077Q.
Identifiers: ClinVar variation 1315734 (VCV001315734.5), dbSNP rs371541652, ClinGen allele CA5207413.
Genomic context (GRCh38, chr9:115,026,635, plus strand): 5'-GTCTTGGCATCTCCCACGCTGAACTTGTCATAGACAGCAAAGGCTGTCTCCCCATGGTCC[C>T]GCAGGTCCACCCGGAGCTCGTACTGCCCCTGGGCTGTGATTTTGTTCAGGTTGTCCAGCC-3'
Protein context (NP_002151.2, residues 2067-2087): QGQYELRVDL[Arg2077Gln]DHGETAFAVY

ClinVar aggregate classification (germline): Likely benign. Review status: criteria provided, multiple submitters, no conflicts (2 of 4 stars). 3 submissions from 3 submitters: Likely benign (2). 1 of the submissions does not count toward it. Last evaluated 2021-09-17.

Conditions:
TNC-related disorder. Also called: TNC-related condition.

Allele frequency attached by ClinVar (database versions not stated): ExAC 0.00009; gnomAD exomes 0.00010; ESP Exome Variant Server 0.00015; gnomAD 0.00030; TOPMed 0.00032.
gnomAD v4.1: 191 of 1,613,840 alleles (0.012%); highest among the groups gnomAD compares: African/African-American, 0.068%; no homozygotes.

Submissions (3):

Ambry Genetics
Classification: Likely benign. Last evaluated: 2021-09-17. Review status: criteria provided, single submitter. Criteria: Ambry Variant Classification Scheme 2023. Collection method: clinical testing. Allele origin: germline.

GeneDx
Classification: Likely benign. Last evaluated: 2021-01-11. Review status: criteria provided, single submitter. Criteria: GeneDx Variant Classification Process June 2021. Collection method: clinical testing. Allele origin: germline. Affected: yes.
Comment: In silico analysis supports that this missense variant does not alter protein structure/function; Has not been previously published as pathogenic or benign to our knowledge

PreventionGenetics, part of Exact Sciences
Classification: Likely benign for TNC-related condition. Last evaluated: 2024-08-19. Review status: no assertion criteria provided. Collection method: clinical testing. Allele origin: germline. Not counted in ClinVar's aggregate classification.
Comment: This variant is classified as likely benign based on ACMG/AMP sequence variant interpretation guidelines (Richards et al. 2015 PMID: 25741868, with internal and published modifications).